The following is an entry in ClinVar:

ClinVar aggregate classification (germline): Uncertain significance. Review status: criteria provided, multiple submitters, no conflicts (2 of 4 stars). 2 submissions from 2 submitters: Uncertain significance (2). Last evaluated 2024-10-03.

Conditions:
Inborn genetic diseases. Identifiers: MedGen C0950123, MeSH D030342.

Allele frequency attached by ClinVar (database versions not stated): gnomAD 0.00001.
gnomAD v4.1: 21 of 1,612,618 alleles (0.0013%); highest among the groups gnomAD compares: African/African-American, 0.004%; no homozygotes.

Submissions (2):

Labcorp Genetics (formerly Invitae), Labcorp
Classification: Uncertain significance. Last evaluated: 2024-10-03. Review status: criteria provided, single submitter. Criteria: Invitae Variant Classification Sherloc (09022015). Collection method: clinical testing. Allele origin: germline.
Comment: This sequence change replaces glycine, which is neutral and non-polar, with glutamic acid, which is acidic and polar, at codon 57 of the COL10A1 protein (p.Gly57Glu). This variant is present in population databases (rs766110843, gnomAD 0.01%). This variant has not been reported in the literature in individuals affected with COL10A1-related conditions. Invitae Evidence Modeling of protein sequence and biophysical properties (such as structural, functional, and spatial information, amino acid conservation, physicochemical variation, residue mobility, and thermodynamic stability) has been performed for this missense variant. However, the output from this modeling did not meet the statistical confidence thresholds required to predict the impact of this variant on COL10A1 protein function. In summary, the available evidence is currently insufficient to determine the role of this variant in disease. Therefore, it has been classified as a Variant of Uncertain Significance.

Ambry Genetics
Classification: Uncertain significance for Inborn genetic diseases. Last evaluated: 2024-03-19. Review status: criteria provided, single submitter. Criteria: Ambry Variant Classification Scheme 2023. Collection method: clinical testing. Allele origin: germline.

NM_000493.4(COL10A1):c.170G>A (p.Gly57Glu)

Genes: COL10A1 (collagen type X alpha 1 chain; minus strand), NT5DC1 (5'-nucleotidase domain containing 1; plus strand). Cytogenetic location: 6q22.1.
Variant type: single nucleotide variant.
Coding change: c.170G>A on transcript NM_000493.4 (MANE Select); coding-DNA position 170, G replaced by A.
Protein change: p.Gly57Glu; replaces glycine 57 with glutamic acid.
Molecular consequence: missense variant. On other transcripts: intron variant (1).
Genome position (GRCh38, 1-based): chr6:116,121,946, C>T on the plus strand (G>A on the coding strand, the complement: COL10A1 is on the minus strand). VCF-style: chr6-116121946-C-T. GRCh37 (hg19) VCF-style: chr6-116443109-C-T.
Other names: c.170G>A, p.Gly57Glu (NM_001424106.1, NM_001424107.1); c.529+4001C>T (NM_152729.3); short protein forms G57E.
Identifiers: ClinVar variation 2973743 (VCV002973743.4), dbSNP rs766110843, ClinGen allele CA3968462.